The following is an entry in ClinVar:

NM_000051.4(ATM):c.943T>C (p.Leu315=)

Gene: ATM (ATM serine/threonine kinase; plus strand). Cytogenetic location: 11q22.3.
Variant type: single nucleotide variant.
Coding change: c.943T>C on transcript NM_000051.4 (MANE Select); coding-DNA position 943, T replaced by C.
Protein change: p.Leu315=; no amino-acid change (leucine 315 retained).
Molecular consequence: synonymous variant.
Genome position (GRCh38, 1-based): chr11:108,247,005, T>C. VCF-style: chr11-108247005-T-C. GRCh37 (hg19) VCF-style: chr11-108117732-T-C.
Other names: c.943T>C, p.Leu315= (NM_001351834.2).
Identifiers: ClinVar variation 2088411 (VCV002088411.6), dbSNP rs2135265678, ClinGen allele CA476671515.

ClinVar aggregate classification (germline): Benign/Likely benign. Review status: criteria provided, multiple submitters, no conflicts (2 of 4 stars). 3 submissions from 3 submitters: Benign (1); Likely benign (2). Last evaluated 2026-07-23.

Conditions:
Hereditary cancer-predisposing syndrome. Also called: Tumor predisposition; Hereditary Cancer Syndrome; Hereditary neoplastic syndrome; Neoplastic Syndromes, Hereditary. Identifiers: Orphanet 140162, MedGen C0027672, MeSH D009386, MONDO:0015356.
Familial cancer of breast. Also called: Hereditary breast cancer; BREAST CANCER, FAMILIAL; hereditary breast carcinoma. Identifiers: Orphanet 227535, MedGen C0346153, MONDO:0016419, OMIM 114480. Disease mechanism: loss of function.
Ataxia-telangiectasia syndrome (AT). Also called: AT, COMPLEMENTATION GROUP C; ATAXIA-TELANGIECTASIA, COMPLEMENTATION GROUP A; ATAXIA-TELANGIECTASIA, FRESNO VARIANT; Ataxia-telangiectasia; Ataxia-telangiectasia, complementation group E; Ataxia telangiectasia (A-T). Identifiers: Orphanet 100, MedGen C0004135, MONDO:0008840, OMIM 208900.

Submissions (3):

Ambry Genetics
Classification: Likely benign for Hereditary cancer-predisposing syndrome. Last evaluated: 2026-07-23. Review status: criteria provided, single submitter. Criteria: Ambry Variant Classification Scheme 2023. Collection method: clinical testing. Allele origin: germline.

Myriad Genetics, Inc.
Classification: Benign for Familial cancer of breast. Last evaluated: 2024-04-24. Review status: criteria provided, single submitter. Criteria: Myriad Autosomal Dominant, Autosomal Recessive and X-Linked Classification Criteria (2023). Collection method: clinical testing. Allele origin: unknown.
Comment: This variant is considered benign. This variant is a silent/synonymous amino acid change and it is not expected to impact splicing.

Labcorp Genetics (formerly Invitae), Labcorp
Classification: Likely benign for Ataxia-telangiectasia syndrome. Last evaluated: 2022-04-10. Review status: criteria provided, single submitter. Criteria: Invitae Variant Classification Sherloc (09022015). Collection method: clinical testing. Allele origin: germline.